The following is an entry in ClinVar:

ClinVar aggregate classification (germline): Uncertain significance (1 of 4 stars; one submission).

Conditions:
Inborn genetic diseases. Identifiers: MedGen C0950123, MeSH D030342.

Submission:

Ambry Genetics
Classification: Uncertain significance for Inborn genetic diseases. Last evaluated: 2025-07-03. Review status: criteria provided, single submitter. Criteria: Ambry Variant Classification Scheme 2023. Collection method: clinical testing. Allele origin: germline.
Comment: The p.E224A variant (also known as c.671A>C), located in coding exon 2 of the GATA2 gene, results from an A to C substitution at nucleotide position 671. The glutamic acid at codon 224 is replaced by alanine, an amino acid with dissimilar properties. This amino acid position is conserved. In addition, this alteration is predicted to be deleterious by in silico analysis. Based on the available evidence, the clinical significance of this variant remains unclear.

NM_032638.5(GATA2):c.671A>C (p.Glu224Ala)

Gene: GATA2 (GATA binding protein 2; minus strand). Cytogenetic location: 3q21.3.
Variant type: single nucleotide variant.
Coding change: c.671A>C on transcript NM_032638.5 (MANE Select); coding-DNA position 671, A replaced by C.
Protein change: p.Glu224Ala; replaces glutamic acid 224 with alanine.
Molecular consequence: missense variant.
Genome position (GRCh38, 1-based): chr3:128,485,927, T>G on the plus strand (A>C on the coding strand, the complement: GATA2 is on the minus strand). VCF-style: chr3-128485927-T-G. GRCh37 (hg19) VCF-style: chr3-128204770-T-G.
Other names: c.671A>C, p.Glu224Ala (NM_001145661.2, NM_001145662.1); short protein forms E224A.
Identifiers: ClinVar variation 4262123 (VCV004262123.1).